The following is an entry in ClinVar:

NM_001378454.1(ALMS1):c.2243G>T (p.Gly748Val)

Gene: ALMS1 (ALMS1 centrosome and basal body associated protein; plus strand). Cytogenetic location: 2p13.1.
Variant type: single nucleotide variant.
Coding change: c.2243G>T on transcript NM_001378454.1 (MANE Select); coding-DNA position 2243, G replaced by T.
Protein change: p.Gly748Val; replaces glycine 748 with valine.
Molecular consequence: missense variant.
Genome position (GRCh38, 1-based): chr2:73,448,770, G>T. VCF-style: chr2-73448770-G-T. GRCh37 (hg19) VCF-style: chr2-73675897-G-T.
Other names: c.2246G>T, p.Gly749Val (NM_015120.4); short protein forms G749V, G748V.
Identifiers: ClinVar variation 1788350 (VCV001788350.5), dbSNP rs746451394, ClinGen allele CA1713311.

ClinVar aggregate classification (germline): Uncertain significance. Review status: criteria provided, multiple submitters, no conflicts (2 of 4 stars). 3 submissions from 3 submitters: Uncertain significance (3). Last evaluated 2026-02-17.

Conditions:
Alstrom syndrome (ALMS). Identifiers: Orphanet 64, MedGen C0268425, MONDO:0008763, OMIM 203800.
Cardiovascular phenotype. Identifiers: MedGen CN230736.

Allele frequency attached by ClinVar (database versions not stated): gnomAD exomes 0.00001; TOPMed below 0.00001; ExAC 0.00002.
gnomAD v4.1: 4 of 1,613,990 alleles (0.00025%); highest among the groups gnomAD compares: Admixed American, 0.0067%; no homozygotes.

Submissions (3):

GeneDx
Classification: Uncertain significance. Last evaluated: 2026-02-17. Review status: criteria provided, single submitter. Criteria: GeneDx Variant Classification Process June 2021. Collection method: clinical testing. Allele origin: germline.
Comment: Not observed at significant frequency in large population cohorts (gnomAD); In silico analysis supports that this missense variant has a deleterious effect on protein structure/function; Has not been previously published as pathogenic or benign to our knowledge

Labcorp Genetics (formerly Invitae), Labcorp
Classification: Uncertain significance for Alstrom syndrome. Last evaluated: 2022-08-19. Review status: criteria provided, single submitter. Criteria: Invitae Variant Classification Sherloc (09022015). Collection method: clinical testing. Allele origin: germline.
Comment: This sequence change replaces glycine, which is neutral and non-polar, with valine, which is neutral and non-polar, at codon 749 of the ALMS1 protein (p.Gly749Val). This variant is present in population databases (rs746451394, gnomAD 0.01%). This variant has not been reported in the literature in individuals affected with ALMS1-related conditions. Experimental studies and prediction algorithms are not available or were not evaluated, and the functional significance of this variant is currently unknown. In summary, the available evidence is currently insufficient to determine the role of this variant in disease. Therefore, it has been classified as a Variant of Uncertain Significance.

Ambry Genetics
Classification: Uncertain significance for Cardiovascular phenotype. Last evaluated: 2021-09-07. Review status: criteria provided, single submitter. Criteria: Ambry Variant Classification Scheme 2023. Collection method: clinical testing. Allele origin: germline.
Comment: The p.G749V variant (also known as c.2246G>T), located in coding exon 8 of the ALMS1 gene, results from a G to T substitution at nucleotide position 2246. The glycine at codon 749 is replaced by valine, an amino acid with dissimilar properties. This amino acid position is not well conserved in available vertebrate species. In addition, this alteration is predicted to be tolerated by in silico analysis. Since supporting evidence is limited at this time, the clinical significance of this alteration remains unclear.